The following is an entry in ClinVar:

NM_001999.4(FBN2):c.5074+298A>T

Gene: FBN2 (fibrillin 2; minus strand). Cytogenetic location: 5q23.3.
Variant type: single nucleotide variant.
Coding change: c.5074+298A>T on transcript NM_001999.4 (MANE Select); 298 bases into the intron after coding-DNA position 5074, A replaced by T.
Molecular consequence: intron variant.
Genome position (GRCh38, 1-based): chr5:128,311,002, T>A on the plus strand (A>T on the coding strand, the complement: FBN2 is on the minus strand). VCF-style: chr5-128311002-T-A. GRCh37 (hg19) VCF-style: chr5-127646694-T-A.
Identifiers: ClinVar variation 668961 (VCV000668961.1), dbSNP rs612993, ClinGen allele CA126988946.

ClinVar aggregate classification (germline): Benign (1 of 4 stars; one submission).

Allele frequency attached by ClinVar (database versions not stated): 1000 Genomes Project 30x 0.19269; 1000 Genomes Project 0.19289; gnomAD 0.21107 and 0.21372; TOPMed 0.22384.
gnomAD v4.1: 32,120 of 152,090 alleles (21%); highest among the groups gnomAD compares: African/African-American, 24%; 3,500 homozygotes.

Submission:

GeneDx
Classification: Benign. Last evaluated: 2018-06-18. Review status: criteria provided, single submitter. Criteria: GeneDx Variant Classification (06012015). Collection method: clinical testing. Allele origin: germline. Affected: yes.
Comment: This variant is considered likely benign or benign based on one or more of the following criteria: it is a conservative change, it occurs at a poorly conserved position in the protein, it is predicted to be benign by multiple in silico algorithms, and/or has population frequency not consistent with disease.